The following is an entry in ClinVar:

NM_004727.3(SLC24A1):c.1024G>T (p.Ala342Ser)

Gene: SLC24A1 (solute carrier family 24 member 1; plus strand). Cytogenetic location: 15q22.31.
Variant type: single nucleotide variant.
Coding change: c.1024G>T on transcript NM_004727.3 (MANE Select); coding-DNA position 1024, G replaced by T.
Protein change: p.Ala342Ser; replaces alanine 342 with serine.
Molecular consequence: missense variant.
Genome position (GRCh38, 1-based): chr15:65,625,104, G>T. VCF-style: chr15-65625104-G-T. GRCh37 (hg19) VCF-style: chr15-65917442-G-T.
Other names: c.1024G>T, p.Ala342Ser (NM_001301031.1, NM_001301032.1, NM_001301033.2 and 1 more transcripts); short protein forms A342S.
Identifiers: ClinVar variation 1921041 (VCV001921041.5), dbSNP rs2074460341, ClinGen allele CA392916503.

ClinVar aggregate classification (germline): Uncertain significance (1 of 4 stars; one submission).

Submission:

Labcorp Genetics (formerly Invitae), Labcorp
Classification: Uncertain significance. Last evaluated: 2024-11-05. Review status: criteria provided, single submitter. Criteria: Invitae Variant Classification Sherloc (09022015). Collection method: clinical testing. Allele origin: germline.
Comment: This sequence change replaces alanine, which is neutral and non-polar, with serine, which is neutral and polar, at codon 342 of the SLC24A1 protein (p.Ala342Ser). This variant is not present in population databases (gnomAD no frequency). This variant has not been reported in the literature in individuals affected with SLC24A1-related conditions. ClinVar contains an entry for this variant (Variation ID: 1921041). An algorithm developed to predict the effect of missense changes on protein structure and function outputs the following: PolyPhen-2: "Possibly Damaging". The serine amino acid residue is found in multiple mammalian species, which suggests that this missense change does not adversely affect protein function. In summary, the available evidence is currently insufficient to determine the role of this variant in disease. Therefore, it has been classified as a Variant of Uncertain Significance.